The following is an entry in ClinVar:

NM_000334.4(SCN4A):c.4222C>A (p.Arg1408Ser)

Genes: GH-LCR (growth hormone locus control region; plus strand), SCN4A (sodium voltage-gated channel alpha subunit 4; minus strand). Cytogenetic location: 17q23.3.
Variant type: single nucleotide variant.
Coding change: c.4222C>A on transcript NM_000334.4 (MANE Select); coding-DNA position 4222, C replaced by A.
Protein change: p.Arg1408Ser; replaces arginine 1408 with serine.
Molecular consequence: missense variant.
Genome position (GRCh38, 1-based): chr17:63,942,892, G>T on the plus strand (C>A on the coding strand, the complement: SCN4A is on the minus strand). VCF-style: chr17-63942892-G-T. GRCh37 (hg19) VCF-style: chr17-62020252-G-T.
Other names: short protein forms R1408S.
Identifiers: ClinVar variation 889025 (VCV000889025.17), dbSNP rs118047588, ClinGen allele CA8709035.
Genomic context (GRCh38, chr17:63,942,892, plus strand): 5'-TGGACAGGATGACGACCACGAAGTCAAAGATGTTCCAGCCAACGGTGAAGTAGTACTGGC[G>T]CAGGGCGAGCATCTTGAGCACGCACTCCCCTGTGAAGATGATGATGAAGATCATGTTGAT-3'
Protein context (NP_000325.4, residues 1398-1418): GECVLKMLAL[Arg1408Ser]QYYFTVGWNI

ClinVar aggregate classification (germline): Conflicting classifications of pathogenicity. Review status: criteria provided, conflicting classifications (1 of 4 stars). 11 submissions from 7 submitters: Uncertain significance (9); Likely benign (1). 1 of the submissions does not count toward it. Last evaluated 2025-11-12.

Conditions:
Paramyotonia congenita of Von Eulenburg. Also called: PARALYSIS PERIODICA PARAMYOTONICA; Eulenburg disease; Myotonia congenita intermittens; Von Eulenburg paramyotonia congenita; Paramyotonia Congenita. Identifiers: Orphanet 684, MedGen C0221055, MONDO:0008195, OMIM 168300. Disease mechanism: loss of function.
Congenital myopathy 22A, classic (CMYO22A). Identifiers: MedGen C5830453, MONDO:0957247, OMIM 620351.
Congenital myopathy 22B, severe fetal (CMYO22B). Identifiers: MedGen C5830501, MONDO:0957265, OMIM 620369.
Congenital myasthenic syndrome 16. Identifiers: Orphanet 590, MedGen C3280112, MONDO:0013620, OMIM 614198.
Hypokalemic periodic paralysis, type 2 (HOKPP2). Identifiers: Orphanet 681, MedGen C2750061, MONDO:0013234, OMIM 613345.
Potassium-aggravated myotonia. Also called: Myotonia congenita, atypical, acetazolamide-responsive; MYOTONIA CONGENITA, ACETAZOLAMIDE-RESPONSIVE; MYOTONIA CONGENITA, ATYPICAL; SODIUM CHANNEL MUSCLE DISEASE. Identifiers: Orphanet 612, Orphanet 99734, Orphanet 99735, Orphanet 99736, MedGen C2931826, MONDO:0018959, OMIM 608390.
Hyperkalemic periodic paralysis. Also called: Gamstorp disease; Familial hyperkalemic periodic paralysis. Identifiers: Orphanet 682, MedGen C0238357, MONDO:0008224, OMIM 170500, HP:0007215.
SCN4A-related disorder. Also called: SCN4A-related disorders.

Allele frequency attached by ClinVar (database versions not stated): TOPMed 0.00009.
gnomAD v4.1: 123 of 1,613,924 alleles (0.0076%); highest among the groups gnomAD compares: Admixed American, 0.013%; no homozygotes.

Submissions (11):

Labcorp Genetics (formerly Invitae), Labcorp
Classification: Uncertain significance for Hyperkalemic periodic paralysis. Last evaluated: 2025-11-12. Review status: criteria provided, single submitter. Criteria: Invitae Variant Classification Sherloc (09022015). Collection method: clinical testing. Allele origin: germline.
Comment: This sequence change replaces arginine, which is basic and polar, with serine, which is neutral and polar, at codon 1408 of the SCN4A protein (p.Arg1408Ser). This variant is present in population databases (rs118047588, gnomAD 0.009%). This variant has not been reported in the literature in individuals affected with SCN4A-related conditions. ClinVar contains an entry for this variant (Variation ID: 889025). Invitae Evidence Modeling of protein sequence and biophysical properties (such as structural, functional, and spatial information, amino acid conservation, physicochemical variation, residue mobility, and thermodynamic stability) indicates that this missense variant is expected to disrupt SCN4A protein function with a positive predictive value of 95%. In summary, the available evidence is currently insufficient to determine the role of this variant in disease. Therefore, it has been classified as a Variant of Uncertain Significance.

Blueprint Genetics
Classification: Uncertain significance. Last evaluated: 2024-10-15. Review status: criteria provided, single submitter. Criteria: ACMG Guidelines, 2015. Collection method: clinical testing. Allele origin: germline.

Fulgent Genetics
Classification: Uncertain significance for Paramyotonia congenita of Von Eulenburg; Hyperkalemic periodic paralysis; Potassium-aggravated myotonia; Hypokalemic periodic paralysis, type 2; Congenital myasthenic syndrome 16; Congenital myopathy 22A, classic; Congenital myopathy 22B, severe fetal. Last evaluated: 2024-05-16. Review status: criteria provided, single submitter. Criteria: ACMG Guidelines, 2015. Collection method: clinical testing. Allele origin: germline.

Revvity Omics, Revvity
Classification: Uncertain significance. Last evaluated: 2023-05-19. Review status: criteria provided, single submitter. Criteria: ACMG Guidelines, 2015. Collection method: clinical testing. Allele origin: germline.

GeneDx
Classification: Uncertain significance. Last evaluated: 2022-06-01. Review status: criteria provided, single submitter. Criteria: GeneDx Variant Classification Process June 2021. Collection method: clinical testing. Allele origin: germline. Affected: yes.
Comment: Observed in multiple related individuals with paramyotonia congenita; however, the variant did not segregate with all affected family members (Palma et al., 2017); In silico analysis supports that this missense variant has a deleterious effect on protein structure/function; This variant is associated with the following publications: (PMID: 29111379)

Illumina Laboratory Services, Illumina
Classification: Likely benign for Potassium-aggravated myotonia. Last evaluated: 2018-01-12. Review status: criteria provided, single submitter. Criteria: ICSL Variant Classification Criteria 13 December 2019. Collection method: clinical testing. Allele origin: germline.
Comment: This variant was observed in the ICSL laboratory as part of a predisposition screen in an ostensibly healthy population. It had not been previously curated by ICSL or reported in the Human Gene Mutation Database (HGMD: prior to June 1st, 2018), and was therefore a candidate for classification through an automated scoring system. Utilizing variant allele frequency, disease prevalence and penetrance estimates, and inheritance mode, an automated score was calculated to assess if this variant is too frequent to cause the disease. Based on the score and internal cut-off values, a variant classified as likely benign is not then subjected to further curation. The score for this variant resulted in a classification of likely benign for this disease.

Illumina Laboratory Services, Illumina
Classification: Uncertain significance for Hypokalemic periodic paralysis, type 2. Last evaluated: 2018-01-12. Review status: criteria provided, single submitter. Criteria: ICSL Variant Classification Criteria 13 December 2019. Collection method: clinical testing. Allele origin: germline.

Illumina Laboratory Services, Illumina
Classification: Uncertain significance for Paramyotonia congenita of Von Eulenburg. Last evaluated: 2018-01-12. Review status: criteria provided, single submitter. Criteria: ICSL Variant Classification Criteria 13 December 2019. Collection method: clinical testing. Allele origin: germline.

Illumina Laboratory Services, Illumina
Classification: Uncertain significance for Hyperkalemic periodic paralysis. Last evaluated: 2018-01-12. Review status: criteria provided, single submitter. Criteria: ICSL Variant Classification Criteria 13 December 2019. Collection method: clinical testing. Allele origin: germline.

Illumina Laboratory Services, Illumina
Classification: Uncertain significance for Congenital myasthenic syndrome 16. Last evaluated: 2018-01-12. Review status: criteria provided, single submitter. Criteria: ICSL Variant Classification Criteria 13 December 2019. Collection method: clinical testing. Allele origin: germline.

PreventionGenetics, part of Exact Sciences
Classification: Uncertain significance for SCN4A-related condition. Last evaluated: 2024-09-24. Review status: no assertion criteria provided. Collection method: clinical testing. Allele origin: germline. Not counted in ClinVar's aggregate classification.
Comment: The SCN4A c.4222C>A variant is predicted to result in the amino acid substitution p.Arg1408Ser. This variant has been reported in a patient with non-diabetic kidney disease (Table S4, Lazaro-Guevara et al. 2021 PubMed ID: 33774617) and in multiple related individuals with paramyotonia congenita; however, the variant did not segregate with the disease in three of the family members (Palma et al. 2017. PubMed ID: 29111379). This variant is reported in 0.0093% of alleles in individuals of European (non-Finnish) descent in gnomAD. At this time, the clinical significance of this variant is uncertain due to the absence of conclusive functional and genetic evidence.